The following is an entry in ClinVar:

NM_198525.3(KIF7):c.1115C>T (p.Ala372Val)

Gene: KIF7 (kinesin family member 7; minus strand). Cytogenetic location: 15q26.1.
Variant type: single nucleotide variant.
Coding change: c.1115C>T on transcript NM_198525.3 (MANE Select); coding-DNA position 1115, C replaced by T.
Protein change: p.Ala372Val; replaces alanine 372 with valine.
Molecular consequence: missense variant.
Genome position (GRCh38, 1-based): chr15:89,648,583, G>A on the plus strand (C>T on the coding strand, the complement: KIF7 is on the minus strand). VCF-style: chr15-89648583-G-A. GRCh37 (hg19) VCF-style: chr15-90191814-G-A.
Other names: short protein forms A372V.
Identifiers: ClinVar variation 1359073 (VCV001359073.8), dbSNP rs1331968966, ClinGen allele CA393772413.
Genomic context (GRCh38, chr15:89,648,583, plus strand): 5'-GGGGCGCGCCGGCCGCGGTGGATGATGCGGGTCTCGGAGCGGTGCCGTGGCGGACCCCGC[G>A]CGCCGCTCGCCGTCTCTTCGGGTGGCCGCTCGGCCTCGGGCCGCCAGTTGACCGTGGCGC-3'
Protein context (NP_940927.2, residues 362-382): ERPPEETASG[Ala372Val]RGPPRHRSET

ClinVar aggregate classification (germline): Uncertain significance (1 of 4 stars; one submission).

Conditions:
Acrocallosal syndrome (ACLS). Also called: HALLUX DUPLICATION, POSTAXIAL POLYDACTYLY, AND ABSENCE OF CORPUS CALLOSUM; Schinzel syndrome 1; Absence of corpus callosum with unusual facial appearance, mental deficiency, duplication of the halluces and polydactyly. Identifiers: Orphanet 36, MedGen C0796147, MONDO:0008708, OMIM 200990.

Allele frequency attached by ClinVar (database versions not stated): gnomAD exomes 0.00001.
gnomAD v4.1: 9 of 1,515,266 alleles (0.00059%); highest among the groups gnomAD compares: Non-Finnish European, 0.00079%; no homozygotes.

Submission:

Labcorp Genetics (formerly Invitae), Labcorp
Classification: Uncertain significance for Acrocallosal syndrome. Last evaluated: 2022-03-10. Review status: criteria provided, single submitter. Criteria: Invitae Variant Classification Sherloc (09022015). Collection method: clinical testing. Allele origin: germline.
Comment: This sequence change replaces alanine, which is neutral and non-polar, with valine, which is neutral and non-polar, at codon 372 of the KIF7 protein (p.Ala372Val). This variant is present in population databases (no rsID available, gnomAD 0.002%). This variant has not been reported in the literature in individuals affected with KIF7-related conditions. Algorithms developed to predict the effect of missense changes on protein structure and function output the following: SIFT: "Tolerated"; PolyPhen-2: "Benign"; Align-GVGD: "Class C0". The valine amino acid residue is found in multiple mammalian species, which suggests that this missense change does not adversely affect protein function. In summary, the available evidence is currently insufficient to determine the role of this variant in disease. Therefore, it has been classified as a Variant of Uncertain Significance.